The following is an entry in ClinVar:

NM_012210.4(TRIM32):c.1853G>C (p.Cys618Ser)

Genes: ASTN2 (astrotactin 2; minus strand), TRIM32 (tripartite motif containing 32; plus strand). Cytogenetic location: 9q33.1.
Variant type: single nucleotide variant.
Coding change: c.1853G>C on transcript NM_012210.4 (MANE Select); coding-DNA position 1853, G replaced by C.
Protein change: p.Cys618Ser; replaces cysteine 618 with serine.
Molecular consequence: missense variant. On other transcripts: intron variant (3).
Genome position (GRCh38, 1-based): chr9:116,699,595, G>C. VCF-style: chr9-116699595-G-C. GRCh37 (hg19) VCF-style: chr9-119461874-G-C.
Other names: c.1853G>C, p.Cys618Ser (NM_001099679.2, NM_001379048.1, NM_001379049.1 and 1 more transcripts); c.2653+26176C>G (NM_014010.5); c.2794+26176C>G (NM_001365069.1); c.2806+26176C>G (NM_001365068.1); short protein forms C618S.
Identifiers: ClinVar variation 1507719 (VCV001507719.6), dbSNP rs777285202, ClinGen allele CA5211219.

ClinVar aggregate classification (germline): Uncertain significance. Review status: criteria provided, multiple submitters, no conflicts (2 of 4 stars). 2 submissions from 2 submitters: Uncertain significance (2). Last evaluated 2026-05-21.

Conditions:
TRIM32-related disorder. Also called: TRIM32-related condition.
Bardet-Biedl syndrome (BBS). Identifiers: Orphanet 110, MedGen C0752166, MONDO:0015229.

Allele frequency attached by ClinVar (database versions not stated): gnomAD exomes below 0.00001 and 0.00001; TOPMed 0.00001; ExAC 0.00002.
gnomAD v4.1: 6 of 1,614,230 alleles (0.00037%); highest among the groups gnomAD compares: Non-Finnish European, 0.00051%; no homozygotes.

Submissions (2):

PreventionGenetics, part of Exact Sciences
Classification: Uncertain significance for TRIM32-related condition. Last evaluated: 2026-05-21. Review status: criteria provided, single submitter. Criteria: ACMG Guidelines, 2015. Collection method: clinical testing. Allele origin: germline.
Comment: The TRIM32 c.1853G>C variant is predicted to result in the amino acid substitution p.Cys618Ser. To our knowledge, this variant has not been reported in the literature. This variant is reported in 0.0026% of alleles in individuals of European (Non-Finnish) descent in gnomAD. At this time, the clinical significance of this variant is uncertain due to the absence of conclusive functional and genetic evidence.

Labcorp Genetics (formerly Invitae), Labcorp
Classification: Uncertain significance for Bardet-Biedl syndrome. Last evaluated: 2021-08-14. Review status: criteria provided, single submitter. Criteria: Invitae Variant Classification Sherloc (09022015). Collection method: clinical testing. Allele origin: germline.
Comment: This sequence change replaces cysteine with serine at codon 618 of the TRIM32 protein (p.Cys618Ser). The cysteine residue is highly conserved and there is a moderate physicochemical difference between cysteine and serine. This variant is present in population databases (rs777285202, ExAC 0.003%). This variant has not been reported in the literature in individuals affected with TRIM32-related conditions. Algorithms developed to predict the effect of missense changes on protein structure and function (SIFT, PolyPhen-2, Align-GVGD) all suggest that this variant is likely to be disruptive. In summary, the available evidence is currently insufficient to determine the role of this variant in disease. Therefore, it has been classified as a Variant of Uncertain Significance.